The following is an entry in ClinVar:

ClinVar aggregate classification (germline): Uncertain significance (1 of 4 stars; one submission).

Submission:

GeneDx
Classification: Uncertain significance. Last evaluated: 2024-01-14. Review status: criteria provided, single submitter. Criteria: GeneDx Variant Classification Process June 2021. Collection method: clinical testing. Allele origin: germline. Affected: yes.
Comment: Not observed at significant frequency in large population cohorts (gnomAD); In silico analysis supports that this missense variant has a deleterious effect on protein structure/function; Has not been previously published as pathogenic or benign to our knowledge

NM_018489.3(ASH1L):c.6356C>T (p.Pro2119Leu)

Gene: ASH1L (ASH1 like histone lysine methyltransferase; minus strand). Cytogenetic location: 1q22.
Variant type: single nucleotide variant.
Coding change: c.6356C>T on transcript NM_018489.3 (MANE Select); coding-DNA position 6356, C replaced by T.
Protein change: p.Pro2119Leu; replaces proline 2119 with leucine.
Molecular consequence: missense variant.
Genome position (GRCh38, 1-based): chr1:155,370,960, G>A on the plus strand (C>T on the coding strand, the complement: ASH1L is on the minus strand). VCF-style: chr1-155370960-G-A. GRCh37 (hg19) VCF-style: chr1-155340751-G-A.
Other names: c.6371C>T, p.Pro2124Leu (NM_001366177.2); short protein forms P2119L, P2124L.
Identifiers: ClinVar variation 3340745 (VCV003340745.1).